The following is an entry in ClinVar:

NM_004453.4(ETFDH):c.349G>C (p.Ala117Pro)

Gene: ETFDH (electron transfer flavoprotein dehydrogenase; plus strand). Cytogenetic location: 4q32.1.
Variant type: single nucleotide variant.
Coding change: c.349G>C on transcript NM_004453.4 (MANE Select); coding-DNA position 349, G replaced by C.
Protein change: p.Ala117Pro; replaces alanine 117 with proline.
Molecular consequence: missense variant.
Genome position (GRCh38, 1-based): chr4:158,682,368, G>C. VCF-style: chr4-158682368-G-C. GRCh37 (hg19) VCF-style: chr4-159603520-G-C.
Other names: c.208G>C, p.Ala70Pro (NM_001281737.2); c.166G>C, p.Ala56Pro (NM_001281738.1); short protein forms A70P, A117P, A56P.
Identifiers: ClinVar variation 1484110 (VCV001484110.6), dbSNP rs763106795, ClinGen allele CA358574404.

ClinVar aggregate classification (germline): Uncertain significance (1 of 4 stars; one submission).

Conditions:
Multiple acyl-CoA dehydrogenase deficiency (MADD). Also called: Glutaric acidemia type II; GA 2; Glutaric aciduria, type 2; ETHYLMALONIC-ADIPICACIDURIA; GA II; Glutaric Acidemia type 2. Identifiers: Orphanet 26791, MedGen C0268596, MONDO:0009282, OMIM 231680.

Submission:

Labcorp Genetics (formerly Invitae), Labcorp
Classification: Uncertain significance for Multiple acyl-CoA dehydrogenase deficiency. Last evaluated: 2021-10-20. Review status: criteria provided, single submitter. Criteria: Invitae Variant Classification Sherloc (09022015). Collection method: clinical testing. Allele origin: germline.
Comment: In summary, the available evidence is currently insufficient to determine the role of this variant in disease. Therefore, it has been classified as a Variant of Uncertain Significance. Advanced modeling of protein sequence and biophysical properties (such as structural, functional, and spatial information, amino acid conservation, physicochemical variation, residue mobility, and thermodynamic stability) performed at Invitae indicates that this missense variant is expected to disrupt ETFDH protein function. This missense change has been observed in individual(s) with multiple acyl-CoA dehydrogenase deficiency (PMID: 24357026). This variant is not present in population databases (gnomAD no frequency). This sequence change replaces alanine, which is neutral and non-polar, with proline, which is neutral and non-polar, at codon 117 of the ETFDH protein (p.Ala117Pro).

Literature cited by the submitters: PubMed 24357026.